The following is an entry in ClinVar:

ClinVar aggregate classification (germline): Likely benign (1 of 4 stars; one submission).

Conditions:
Melanoma, cutaneous malignant, susceptibility to, 3. Also called: Cutaneous malignant melanoma 3. Identifiers: Orphanet 618, MedGen C1836892, MONDO:0012183, OMIM 609048.

Submission:

Myriad Genetics, Inc.
Classification: Likely benign for Melanoma, cutaneous malignant, susceptibility to, 3. Last evaluated: 2024-09-26. Review status: criteria provided, single submitter. Criteria: Myriad Autosomal Dominant, Autosomal Recessive and X-Linked Classification Criteria (2023). Collection method: clinical testing. Allele origin: unknown.
Comment: This variant is considered likely benign. This variant is intronic and is not expected to impact mRNA splicing.

NM_000075.4(CDK4):c.820-20A>T

Genes: MIR6759 (microRNA 6759; minus strand), TSPAN31 (tetraspanin 31; plus strand), CDK4 (cyclin dependent kinase 4; minus strand). Cytogenetic location: 12q14.1.
Variant type: single nucleotide variant.
Coding change: c.820-20A>T on transcript NM_000075.4 (MANE Select); 20 bases into the intron before coding-DNA position 820, A replaced by T.
Molecular consequence: intron variant. On other transcripts: non-coding transcript variant (1), 3 prime UTR variant (3).
Genome position (GRCh38, 1-based): chr12:57,748,637, T>A on the plus strand (A>T on the coding strand, the complement: CDK4 is on the minus strand). VCF-style: chr12-57748637-T-A. GRCh37 (hg19) VCF-style: chr12-58142420-T-A.
Other names: c.*1347T>A (NM_001330168.2, NM_001330169.2, NM_005981.5).
Identifiers: ClinVar variation 3378993 (VCV003378993.1).